The following is an entry in ClinVar:

ClinVar aggregate classification (germline): Likely benign (1 of 4 stars; one submission).

gnomAD v4.1: 65 of 1,613,936 alleles (0.004%); highest among the groups gnomAD compares: South Asian, 0.043%; no homozygotes.

Submission:

Mayo Clinic Laboratories, Mayo Clinic
Classification: Likely benign. Last evaluated: 2025-02-10. Review status: criteria provided, single submitter. Criteria: ACMG Guidelines, 2015. Collection method: clinical testing. Allele origin: germline. Observed: 1 variant allele.
Comment: BP4, BP7

NM_000181.4(GUSB):c.1244+27G>A

Gene: GUSB (glucuronidase beta; minus strand). Cytogenetic location: 7q11.21.
Variant type: single nucleotide variant.
Coding change: c.1244+27G>A on transcript NM_000181.4 (MANE Select); 27 bases into the intron after coding-DNA position 1244, G replaced by A.
Molecular consequence: intron variant.
Genome position (GRCh38, 1-based): chr7:65,974,499, C>T on the plus strand (G>A on the coding strand, the complement: GUSB is on the minus strand). VCF-style: chr7-65974499-C-T. GRCh37 (hg19) VCF-style: chr7-65439486-C-T.
Other names: p.?; c.587+27G>A (NM_001293105.2); c.674+27G>A (NM_001293104.2); c.806+27G>A (NM_001284290.2).
Identifiers: ClinVar variation 4683273 (VCV004683273.1).